The following is an entry in ClinVar:

ClinVar aggregate classification (germline): Benign/Likely benign. Review status: criteria provided, multiple submitters, no conflicts (2 of 4 stars). 6 submissions from 5 submitters: Benign (4); Likely benign (2). Last evaluated 2026-02-01.

Conditions:
Corneal dystrophy. Identifiers: Orphanet 34533, MedGen C0010036, MONDO:0018102, HP:0001131.
Bietti crystalline corneoretinal dystrophy (BCD). Also called: Bietti Crystalline Dystrophy; BIETTI TAPETORETINAL DEGENERATION WITH MARGINAL CORNEAL DYSTROPHY. Identifiers: Orphanet 41751, MedGen C1859486, MONDO:0008865, OMIM 210370.

Allele frequency attached by ClinVar (database versions not stated): gnomAD exomes 0.02622 and 0.02838; ExAC 0.02720; 1000 Genomes Project 0.03355; 1000 Genomes Project 30x 0.03716; gnomAD 0.03745 and 0.03921; ESP Exome Variant Server 0.03852; TOPMed 0.03996.
gnomAD v4.1: 47,376 of 1,613,724 alleles (2.9%); highest among the groups gnomAD compares: African/African-American, 6.5%; 861 homozygotes.

Submissions (6):

Labcorp Genetics (formerly Invitae), Labcorp
Classification: Benign. Last evaluated: 2026-02-01. Review status: criteria provided, single submitter. Criteria: Invitae Variant Classification Sherloc (09022015). Collection method: clinical testing. Allele origin: germline.

GeneDx
Classification: Benign. Last evaluated: 2021-05-05. Review status: criteria provided, single submitter. Criteria: GeneDx Variant Classification Process June 2021. Collection method: clinical testing. Allele origin: germline. Affected: yes.

Illumina Laboratory Services, Illumina
Classification: Likely benign for Corneal dystrophy. Last evaluated: 2018-01-13. Review status: criteria provided, single submitter. Criteria: ICSL Variant Classification Criteria 13 December 2019. Collection method: clinical testing. Allele origin: germline.
Comment: This variant was observed in the ICSL laboratory as part of a predisposition screen in an ostensibly healthy population. It had not been previously curated by ICSL or reported in the Human Gene Mutation Database (HGMD: prior to June 1st, 2018), and was therefore a candidate for classification through an automated scoring system. Utilizing variant allele frequency, disease prevalence and penetrance estimates, and inheritance mode, an automated score was calculated to assess if this variant is too frequent to cause the disease. Based on the score and internal cut-off values, a variant classified as likely benign is not then subjected to further curation. The score for this variant resulted in a classification of likely benign for this disease.

Illumina Laboratory Services, Illumina
Classification: Benign for Bietti crystalline corneoretinal dystrophy. Last evaluated: 2018-01-13. Review status: criteria provided, single submitter. Criteria: ICSL Variant Classification Criteria 13 December 2019. Collection method: clinical testing. Allele origin: germline.
Comment: This variant was observed in the ICSL laboratory as part of a predisposition screen in an ostensibly healthy population. It had not been previously curated by ICSL or reported in the Human Gene Mutation Database (HGMD: prior to June 1st, 2018), and was therefore a candidate for classification through an automated scoring system. Utilizing variant allele frequency, disease prevalence and penetrance estimates, and inheritance mode, an automated score was calculated to assess if this variant is too frequent to cause the disease. Based on the score and internal cut-off values, a variant classified as benign is not then subjected to further curation. The score for this variant resulted in a classification of benign for this disease.

Breakthrough Genomics
Classification: Likely benign. Review status: criteria provided, single submitter. Criteria: ACMG Guidelines, 2015. Collection method: not provided. Allele origin: germline. Inheritance: Autosomal recessive inheritance. Affected: yes.

PreventionGenetics, part of Exact Sciences
Classification: Benign. Review status: criteria provided, single submitter. Criteria: ACMG Guidelines, 2015. Collection method: clinical testing. Allele origin: germline.

NM_207352.4(CYP4V2):c.823G>A (p.Glu275Lys)

Gene: CYP4V2 (cytochrome P450 family 4 subfamily V member 2; plus strand). Cytogenetic location: 4q35.2.
Variant type: single nucleotide variant.
Coding change: c.823G>A on transcript NM_207352.4 (MANE Select); coding-DNA position 823, G replaced by A.
Protein change: p.Glu275Lys; replaces glutamic acid 275 with lysine.
Molecular consequence: missense variant.
Genome position (GRCh38, 1-based): chr4:186,201,178, G>A. VCF-style: chr4-186201178-G-A. GRCh37 (hg19) VCF-style: chr4-187122332-G-A.
Other names: short protein forms E275K.
Identifiers: ClinVar variation 263298 (VCV000263298.17), dbSNP rs34745240, ClinGen allele CA3162674.